The following is an entry in ClinVar:

NM_003072.5(SMARCA4):c.4715G>A (p.Gly1572Asp)

Gene: SMARCA4 (SWI/SNF related BAF chromatin remodeling complex subunit ATPase 4; plus strand). Cytogenetic location: 19p13.2.
Variant type: single nucleotide variant.
Coding change: c.4715G>A on transcript NM_003072.5 (MANE Select); coding-DNA position 4715, G replaced by A.
Protein change: p.Gly1572Asp; replaces glycine 1572 with aspartic acid.
Molecular consequence: missense variant. On other transcripts: non-coding transcript variant (1).
Genome position (GRCh38, 1-based): chr19:11,059,832, G>A. VCF-style: chr19-11059832-G-A. GRCh37 (hg19) VCF-style: chr19-11170508-G-A.
Other names: c.4715G>A, p.Gly1572Asp (NM_001128844.3); c.4625G>A, p.Gly1542Asp (NM_001128845.2); c.4622G>A, p.Gly1541Asp (NM_001128846.2); c.4616G>A, p.Gly1539Asp (NM_001128847.4, NM_001374457.1); c.4613G>A, p.Gly1538Asp (NM_001128848.2); c.4811G>A, p.Gly1604Asp (NM_001128849.3, NM_001387283.1); c.4712G>A, p.Gly1571Asp (NM_001411150.1); short protein forms G1604D, G1538D, G1539D, G1542D, G1572D, G1571D, G1541D.
Identifiers: ClinVar variation 2107325 (VCV002107325.4), dbSNP rs2147115179, ClinGen allele CA404079540.

ClinVar aggregate classification (germline): Uncertain significance (1 of 4 stars; one submission).

Conditions:
Rhabdoid tumor predisposition syndrome 2 (RTPS2). Identifiers: Orphanet 231108, Orphanet 69077, MedGen C2750074, MONDO:0013224, OMIM 613325.

Submission:

Labcorp Genetics (formerly Invitae), Labcorp
Classification: Uncertain significance for Rhabdoid tumor predisposition syndrome 2. Last evaluated: 2022-03-06. Review status: criteria provided, single submitter. Criteria: Invitae Variant Classification Sherloc (09022015). Collection method: clinical testing. Allele origin: germline.
Comment: This variant has not been reported in the literature in individuals affected with SMARCA4-related conditions. This sequence change replaces glycine, which is neutral and non-polar, with aspartic acid, which is acidic and polar, at codon 1604 of the SMARCA4 protein (p.Gly1604Asp). This variant is not present in population databases (gnomAD no frequency). Algorithms developed to predict the effect of missense changes on protein structure and function are either unavailable or do not agree on the potential impact of this missense change (SIFT: "Deleterious"; PolyPhen-2: "Benign"; Align-GVGD: "Class C0"). In summary, the available evidence is currently insufficient to determine the role of this variant in disease. Therefore, it has been classified as a Variant of Uncertain Significance.